The following is an entry in ClinVar:

ClinVar aggregate classification (germline): Uncertain significance (1 of 4 stars; one submission).

Allele frequency attached by ClinVar (database versions not stated): gnomAD 0.00001.
gnomAD v4.1: 1 of 1,613,876 alleles (0.000062%); highest among the groups gnomAD compares: Non-Finnish European, 0.000085%; no homozygotes.

Submission:

Labcorp Genetics (formerly Invitae), Labcorp
Classification: Uncertain significance. Last evaluated: 2024-10-23. Review status: criteria provided, single submitter. Criteria: Invitae Variant Classification Sherloc (09022015). Collection method: clinical testing. Allele origin: germline.
Comment: This sequence change replaces proline, which is neutral and non-polar, with alanine, which is neutral and non-polar, at codon 1801 of the TUBGCP6 protein (p.Pro1801Ala). This variant is not present in population databases (gnomAD no frequency). This variant has not been reported in the literature in individuals affected with TUBGCP6-related conditions. ClinVar contains an entry for this variant (Variation ID: 1467734). An algorithm developed to predict the effect of missense changes on protein structure and function (PolyPhen-2) suggests that this variant is likely to be disruptive. In summary, the available evidence is currently insufficient to determine the role of this variant in disease. Therefore, it has been classified as a Variant of Uncertain Significance.

NM_020461.4(TUBGCP6):c.5401C>G (p.Pro1801Ala)

Gene: TUBGCP6 (tubulin gamma complex component 6; minus strand). Cytogenetic location: 22q13.33.
Variant type: single nucleotide variant.
Coding change: c.5401C>G on transcript NM_020461.4 (MANE Select); coding-DNA position 5401, C replaced by G.
Protein change: p.Pro1801Ala; replaces proline 1801 with alanine.
Molecular consequence: missense variant.
Genome position (GRCh38, 1-based): chr22:50,217,795, G>C on the plus strand (C>G on the coding strand, the complement: TUBGCP6 is on the minus strand). VCF-style: chr22-50217795-G-C. GRCh37 (hg19) VCF-style: chr22-50656224-G-C.
Other names: short protein forms P1801A.
Identifiers: ClinVar variation 1467734 (VCV001467734.6), dbSNP rs1602500598, ClinGen allele CA412161519.